The following is an entry in ClinVar:

ClinVar aggregate classification (germline): Pathogenic (1 of 4 stars; one submission).
ClinVar aggregate classification (somatic clinical impact): Tier I - Strong. Review status: criteria provided, single submitter (1 of 4 stars). 3 submissions from 1 submitter. Last evaluated 2025-02-18.

Conditions:
Juvenile nasopharyngeal angiofibroma. Identifiers: Orphanet 289596, MedGen C1367536, MONDO:0017340, HP:0030429.
Adamantinous craniopharyngioma. Identifiers: MedGen C0431129, MONDO:0002787.
Solid pseudopapillary neoplasm of the pancreas. Identifiers: MedGen C1336030, MONDO:0044786.
Medulloblastoma non-WNT/non-SHH group 3. Identifiers: MedGen C4330665, MONDO:0956966.

Submissions (4):

Institute for Genomic Medicine (IGM) Clinical Laboratory, Nationwide Children's Hospital
Classification: Tier I - Strong for Solid pseudopapillary neoplasm of the pancreas. Assertion type: diagnostic. Clinical significance: supports diagnosis. Last evaluated: 2025-02-18. Review status: criteria provided, single submitter. Criteria: AMP/ASCO/CAP Guidelines, 2017. Collection method: clinical testing. Allele origin: somatic. Affected: yes.
Comment: Variant has Tier I (strong) clinical significance as a diagnostic inclusion criterion in solid pseudopapillary neoplasm of the pancreas, based on the following evidence: 1) Documented in one or more cancer databases (e.g., St. Jude Pecan, COSMIC, CIViC, OncoKB). 2) Appears in one or more well-established professional guidelines (e.g., World Health Organization [WHO]; National Comprehensive Cancer Network [NCCN]) as providing diagnostic, prognostic, or therapeutic information. 3) Information in the literature supports potential biologic effect of variant (PMIDs: 29435196, 30699286). 4) Diagnostic for a specific tumor type/classification according to professional guidelines (Evidence Level A; PMIDs: 11943721, 16967453, 30972907, 22158988).

Institute for Genomic Medicine (IGM) Clinical Laboratory, Nationwide Children's Hospital
Classification: Tier I - Strong for Adamantinous craniopharyngioma. Assertion type: diagnostic. Clinical significance: supports diagnosis. Last evaluated: 2024-10-24. Review status: criteria provided, single submitter. Criteria: AMP/ASCO/CAP Guidelines, 2017. Collection method: clinical testing. Allele origin: somatic. Affected: yes.
Comment: Variant has Tier I (strong) clinical significance as a diagnostic inclusion criterion in adamantinous craniopharyngioma, based on the following evidence: 1) Documented in one or more cancer databases (e.g., St. Jude Pecan, COSMIC, CIViC, OncoKB). 2) Appears in one or more well-established professional guidelines (e.g., World Health Organization [WHO]; National Comprehensive Cancer Network [NCCN]) as providing diagnostic, prognostic, or therapeutic information. 3) Information in the literature supports potential biologic effect of variant (PMIDs: 29435196, 30699286). 4) Diagnostic for a specific tumor type/classification according to professional guidelines (Evidence Level A; PMIDs: 12466115, 24413733, 28069929).

Institute for Genomic Medicine (IGM) Clinical Laboratory, Nationwide Children's Hospital
Classification: Tier I - Strong for Medulloblastoma non-WNT/non-SHH group 3. Assertion type: diagnostic. Clinical significance: supports diagnosis. Last evaluated: 2024-10-01. Review status: criteria provided, single submitter. Criteria: AMP/ASCO/CAP Guidelines, 2017. Collection method: clinical testing. Allele origin: somatic. Affected: yes.
Comment: Variant has Tier I (strong) clinical significance as a diagnostic inclusion criterion in medulloblastoma non-WNT/non-SHH group 3, based on the following evidence: 1) Documented in one or more cancer databases (e.g., St. Jude Pecan, COSMIC, CIViC, OncoKB). 2) Appears in one or more well-established professional guidelines (e.g., World Health Organization [WHO]; National Comprehensive Cancer Network [NCCN]) as providing diagnostic, prognostic, or therapeutic information (PMIDs: 33152694, 34185076). 3) Information in the literature supports potential biologic effect of variant (PMIDs: 29435196, 32752153, 27543871, 30699286). 4) Diagnostic for a specific tumor type/classification according to professional guidelines (Evidence Level A; PMIDs: 22832581, 28726821, 21163964, 22832583, 22722829, 22820256).

Seattle Children's Hospital Molecular Genetics Laboratory, Seattle Children's Hospital
Classification: Pathogenic for Juvenile nasopharyngeal angiofibroma. Last evaluated: 2021-07-30. Review status: criteria provided, single submitter. Criteria: ACMG Guidelines, 2015. Collection method: clinical testing. Allele origin: somatic. Inheritance: Somatic mutation. Affected: yes.
Comment: This variant was identified in 23% of reads, consistent with somatic origin. To our knowledge, this variant has not previously been reported in juvenile nasopharyngeal angiofibroma (JNA), but this is an oncogenic variant found in multiple tumor types (COSMIC and cBioPortal Databases).

Literature cited by the submitters: PubMed 29435196 (cited by Institute for Genomic Medicine (IGM) Clinical Laboratory, Nationwide Children's Hospital); PubMed 30699286 (cited by Institute for Genomic Medicine (IGM) Clinical Laboratory, Nationwide Children's Hospital); PubMed 11943721 (cited by Institute for Genomic Medicine (IGM) Clinical Laboratory, Nationwide Children's Hospital); PubMed 16967453 (cited by Institute for Genomic Medicine (IGM) Clinical Laboratory, Nationwide Children's Hospital); PubMed 30972907 (cited by Institute for Genomic Medicine (IGM) Clinical Laboratory, Nationwide Children's Hospital); PubMed 22158988 (cited by Institute for Genomic Medicine (IGM) Clinical Laboratory, Nationwide Children's Hospital); PubMed 12466115 (cited by Institute for Genomic Medicine (IGM) Clinical Laboratory, Nationwide Children's Hospital); PubMed 24413733 (cited by Institute for Genomic Medicine (IGM) Clinical Laboratory, Nationwide Children's Hospital); PubMed 28069929 (cited by Institute for Genomic Medicine (IGM) Clinical Laboratory, Nationwide Children's Hospital); PubMed 33152694 (cited by Institute for Genomic Medicine (IGM) Clinical Laboratory, Nationwide Children's Hospital); PubMed 34185076 (cited by Institute for Genomic Medicine (IGM) Clinical Laboratory, Nationwide Children's Hospital); PubMed 32752153 (cited by Institute for Genomic Medicine (IGM) Clinical Laboratory, Nationwide Children's Hospital); PubMed 27543871 (cited by Institute for Genomic Medicine (IGM) Clinical Laboratory, Nationwide Children's Hospital); PubMed 22832581 (cited by Institute for Genomic Medicine (IGM) Clinical Laboratory, Nationwide Children's Hospital); PubMed 28726821 (cited by Institute for Genomic Medicine (IGM) Clinical Laboratory, Nationwide Children's Hospital); PubMed 21163964 (cited by Institute for Genomic Medicine (IGM) Clinical Laboratory, Nationwide Children's Hospital); PubMed 22832583 (cited by Institute for Genomic Medicine (IGM) Clinical Laboratory, Nationwide Children's Hospital); PubMed 22722829 (cited by Institute for Genomic Medicine (IGM) Clinical Laboratory, Nationwide Children's Hospital); PubMed 22820256 (cited by Institute for Genomic Medicine (IGM) Clinical Laboratory, Nationwide Children's Hospital).

NM_001904.4(CTNNB1):c.94G>A (p.Asp32Asn)

Genes: CTNNB1 (catenin beta 1; plus strand), LOC126806658 (BRD4-independent group 4 enhancer GRCh37_chr3:41265899-41267098; plus strand). Cytogenetic location: 3p22.1.
Variant type: single nucleotide variant.
Coding change: c.94G>A on transcript NM_001904.4 (MANE Select); coding-DNA position 94, G replaced by A.
Protein change: p.Asp32Asn; replaces aspartic acid 32 with asparagine.
Molecular consequence: missense variant.
Genome position (GRCh38, 1-based): chr3:41,224,606, G>A. VCF-style: chr3-41224606-G-A. GRCh37 (hg19) VCF-style: chr3-41266097-G-A.
Other names: c.94G>A, p.Asp32Asn (NM_001098209.2, NM_001098210.2); c.73G>A, p.Asp25Asn (NM_001330729.2); short protein forms D32N, D25N.
Identifiers: ClinVar variation 376228 (VCV000376228.6), dbSNP rs28931588, ClinGen allele CA16602681.